The following is an entry in ClinVar:

ClinVar aggregate classification (germline): Pathogenic (1 of 4 stars; one submission).

Conditions:
Telangiectasia, hereditary hemorrhagic, type 2 (HHT2). Also called: ACVRL1-Related Hereditary Hemorrhagic Telangiectasia; Telangiectasia, hereditary hemorrhagic, type II. Identifiers: Orphanet 774, MedGen C1838163, MONDO:0010880, OMIM 600376. Disease mechanism: loss of function.

Submission:

Labcorp Genetics (formerly Invitae), Labcorp
Classification: Pathogenic for Telangiectasia, hereditary hemorrhagic, type 2. Last evaluated: 2021-07-29. Review status: criteria provided, single submitter. Criteria: Invitae Variant Classification Sherloc (09022015). Collection method: clinical testing. Allele origin: germline.
Comment: This variant is a gross deletion of the genomic region encompassing exon(s) 2-5 of the ACVRL1 gene, which includes the initiator codon. The 5' end of this event is unknown as it extends beyond the assayed region for this gene and therefore may encompass additional genes. The 3' boundary is likely confined to intron 5 of the ACVRL1 gene. It is expected to result in an absent or disrupted protein product. Loss-of-function variants in ACVRL1 are known to be pathogenic (PMID: 15879500). This variant has not been reported in the literature in individuals affected with ACVRL1-related conditions. For these reasons, this variant has been classified as Pathogenic.

Literature cited by the submitters: PubMed 15879500.

NC_000012.11:g.(?_52306259)_(52307877_?)del

Gene: ACVRL1 (activin A receptor like type 1; plus strand). Cytogenetic location: 12q13.13.
Variant type: Deletion.
Identifiers: ClinVar variation 1457687 (VCV001457687.4).